The following is an entry in ClinVar:

ClinVar aggregate classification (germline): Conflicting classifications of pathogenicity. Review status: criteria provided, conflicting classifications (1 of 4 stars). 4 submissions from 4 submitters: Uncertain significance (1); Likely benign (2). 1 of the submissions does not count toward it. Last evaluated 2025-09-30.

Conditions:
KMT2D-related disorder. Also called: KMT2D-Related Disorders.
Kabuki syndrome. Also called: Kabuki make-up syndrome; NIIKAWA-KUROKI SYNDROME. Identifiers: Orphanet 2322, MedGen C0796004, MONDO:0016512.
Kabuki syndrome 1 (KABUK1). Also called: KMT2D-Related Kabuki Syndrome. Identifiers: Orphanet 2322, MedGen CN030661, MONDO:0007843, OMIM 147920.

Allele frequency attached by ClinVar (database versions not stated): gnomAD exomes 0.00002 and 0.00006; ExAC 0.00006; gnomAD 0.00014; TOPMed 0.00015; ESP Exome Variant Server 0.00016; 1000 Genomes Project 30x 0.00031; 1000 Genomes Project 0.00040.
gnomAD v4.1: 50 of 1,613,592 alleles (0.0031%); highest among the groups gnomAD compares: African/African-American, 0.049%; no homozygotes.

Submissions (4):

Labcorp Genetics (formerly Invitae), Labcorp
Classification: Likely benign for Kabuki syndrome. Last evaluated: 2025-09-30. Review status: criteria provided, single submitter. Criteria: Invitae Variant Classification Sherloc (09022015). Collection method: clinical testing. Allele origin: germline.

GeneDx
Classification: Likely benign. Last evaluated: 2020-02-28. Review status: criteria provided, single submitter. Criteria: GeneDx Variant Classification Process June 2021. Collection method: clinical testing. Allele origin: germline. Affected: yes.
Comment: See Variant Classification Assertion Criteria.

Genetic Services Laboratory, University of Chicago
Classification: Uncertain significance for Kabuki syndrome 1. Last evaluated: 2013-11-27. Review status: criteria provided, single submitter. Criteria: ACMG Guidelines, 2007. Collection method: clinical testing. Allele origin: germline. Inheritance: Autosomal dominant inheritance.

PreventionGenetics, part of Exact Sciences
Classification: Likely benign for KMT2D-related condition. Last evaluated: 2023-11-21. Review status: no assertion criteria provided. Collection method: clinical testing. Allele origin: germline. Not counted in ClinVar's aggregate classification.
Comment: This variant is classified as likely benign based on ACMG/AMP sequence variant interpretation guidelines (Richards et al. 2015 PMID: 25741868, with internal and published modifications).

NM_003482.4(KMT2D):c.10444C>T (p.Arg3482Trp)

Gene: KMT2D (lysine methyltransferase 2D; minus strand). Cytogenetic location: 12q13.12.
Variant type: single nucleotide variant.
Coding change: c.10444C>T on transcript NM_003482.4 (MANE Select); coding-DNA position 10444, C replaced by T.
Protein change: p.Arg3482Trp; replaces arginine 3482 with tryptophan.
Molecular consequence: missense variant.
Genome position (GRCh38, 1-based): chr12:49,034,473, G>A on the plus strand (C>T on the coding strand, the complement: KMT2D is on the minus strand). VCF-style: chr12-49034473-G-A. GRCh37 (hg19) VCF-style: chr12-49428256-G-A.
Other names: short protein forms R3482W.
Identifiers: ClinVar variation 158713 (VCV000158713.17), dbSNP rs201127814, ClinGen allele CA271566.